The following is an entry in ClinVar:

NM_022552.5(DNMT3A):c.558G>A (p.Pro186=)

Gene: DNMT3A (DNA methyltransferase 3 alpha; minus strand). Cytogenetic location: 2p23.3.
Variant type: single nucleotide variant.
Coding change: c.558G>A on transcript NM_022552.5 (MANE Select); coding-DNA position 558, G replaced by A.
Protein change: p.Pro186=; no amino-acid change (proline 186 retained).
Molecular consequence: synonymous variant. On other transcripts: non-coding transcript variant (1).
Genome position (GRCh38, 1-based): chr2:25,275,022, C>T on the plus strand (G>A on the coding strand, the complement: DNMT3A is on the minus strand). VCF-style: chr2-25275022-C-T. GRCh37 (hg19) VCF-style: chr2-25497891-C-T.
Other names: c.558G>A, p.Pro186= (NM_175629.2).
Identifiers: ClinVar variation 1207264 (VCV001207264.12), dbSNP rs748092122, ClinGen allele CA1556429.

ClinVar aggregate classification (germline): Likely benign. Review status: criteria provided, multiple submitters, no conflicts (2 of 4 stars). 5 submissions from 5 submitters: Likely benign (4). 1 of the submissions does not count toward it. Last evaluated 2025-12-30.

Conditions:
DNMT3A-related disorder. Also called: DNMT3A-related disorders; DNMT3A-related condition.
Tatton-Brown-Rahman overgrowth syndrome. Also called: Tall stature-intellectual disability-facial dysmorphism syndrome; Tatton-Brown-Rahman syndrome. Identifiers: Orphanet 404443, MedGen C4014545, MONDO:0014382, OMIM 615879.

Allele frequency attached by ClinVar (database versions not stated): gnomAD 0.00002; TOPMed 0.00004; gnomAD exomes 0.00005; ExAC 0.00006.
gnomAD v4.1: 134 of 1,611,078 alleles (0.0083%); highest among the groups gnomAD compares: Middle Eastern, 0.12%; no homozygotes.

Submissions (5):

Labcorp Genetics (formerly Invitae), Labcorp
Classification: Likely benign for Tatton-Brown-Rahman overgrowth syndrome. Last evaluated: 2025-12-30. Review status: criteria provided, single submitter. Criteria: Invitae Variant Classification Sherloc (09022015). Collection method: clinical testing. Allele origin: germline.

Blueprint Genetics
Classification: Likely benign. Last evaluated: 2024-04-15. Review status: criteria provided, single submitter. Criteria: ACMG Guidelines, 2015. Collection method: clinical testing. Allele origin: germline.

GeneDx
Classification: Likely benign. Last evaluated: 2020-01-09. Review status: criteria provided, single submitter. Criteria: GeneDx Variant Classification Process June 2021. Collection method: clinical testing. Allele origin: germline. Affected: yes.

Breakthrough Genomics
Classification: Likely benign. Review status: criteria provided, single submitter. Criteria: ACMG Guidelines, 2015. Collection method: not provided. Allele origin: germline. Inheritance: Autosomal dominant inheritance. Affected: yes.

PreventionGenetics, part of Exact Sciences
Classification: Likely benign for DNMT3A-related condition. Last evaluated: 2019-09-18. Review status: no assertion criteria provided. Collection method: clinical testing. Allele origin: germline. Not counted in ClinVar's aggregate classification.
Comment: This variant is classified as likely benign based on ACMG/AMP sequence variant interpretation guidelines (Richards et al. 2015 PMID: 25741868, with internal and published modifications).